The following is an entry in ClinVar:

NM_138694.4(PKHD1):c.9619G>A (p.Ala3207Thr)

Gene: PKHD1 (PKHD1 ciliary IPT domain containing fibrocystin/polyductin; minus strand). Cytogenetic location: 6p12.3.
Variant type: single nucleotide variant.
Coding change: c.9619G>A on transcript NM_138694.4 (MANE Select); coding-DNA position 9619, G replaced by A.
Protein change: p.Ala3207Thr; replaces alanine 3207 with threonine.
Molecular consequence: missense variant.
Genome position (GRCh38, 1-based): chr6:51,747,997, C>T on the plus strand (G>A on the coding strand, the complement: PKHD1 is on the minus strand). VCF-style: chr6-51747997-C-T. GRCh37 (hg19) VCF-style: chr6-51612795-C-T.
Other names: c.9619G>A, p.Ala3207Thr (NM_170724.3); short protein forms A3207T.
Identifiers: ClinVar variation 658007 (VCV000658007.20), dbSNP rs1242089464, ClinGen allele CA364420683.

ClinVar aggregate classification (germline): Conflicting classifications of pathogenicity. Review status: criteria provided, conflicting classifications (1 of 4 stars). 7 submissions from 7 submitters: Pathogenic (1); Likely pathogenic (4); Uncertain significance (1). 1 of the submissions does not count toward it. Last evaluated 2026-08-26.

Conditions:
Autosomal recessive polycystic kidney disease (ARPKD). Also called: AR polycystic kidney disease. Identifiers: Orphanet 731, Orphanet 8378, MedGen C0085548, MeSH D017044, MONDO:0009889.
PKHD1-related disorder. Also called: PKHD1-related condition.
Polycystic kidney disease 4 (PKD4). Also called: PKD3; Autosomal Recessive Polycystic Kidney Disease – PKHD1; POLYCYSTIC KIDNEY DISEASE 4 WITH OR WITHOUT POLYCYSTIC LIVER DISEASE; POLYCYSTIC KIDNEY AND HEPATIC DISEASE 1; POLYCYSTIC KIDNEY DISEASE, INFANTILE, TYPE I. Identifiers: MedGen C4540575, MONDO:0033004, OMIM 263200.

Allele frequency attached by ClinVar (database versions not stated): gnomAD exomes below 0.00001; gnomAD 0.00001.

Submissions (7):

Myriad Genetics, Inc.
Classification: Uncertain significance for Polycystic kidney disease 4. Last evaluated: 2026-08-26. Review status: criteria provided, single submitter. Criteria: Myriad Autosomal Dominant, Autosomal Recessive and X-Linked Classification Criteria (2023). Collection method: clinical testing. Allele origin: unknown.
Comment: NM_138694.3(PKHD1):c.9619G>A(A3207T) is a missense variant classified as a variant of uncertain significance in the context of autosomal recessive polycystic kidney disease, PKHD1-related. A3207T has been observed in cases with relevant disease (PMID: 19914852, 20413436). Relevant functional assessments of this variant are not available in the literature. A3207T has been observed in referenced population frequency databases. In summary, there is insufficient evidence to classify NM_138694.3(PKHD1):c.9619G>A(A3207T) as pathogenic or benign. Please note: this variant was assessed in the context of healthy population screening.

Natera, Inc.
Classification: Likely pathogenic for Autosomal recessive polycystic kidney disease. Last evaluated: 2025-12-11. Review status: criteria provided, single submitter. Criteria: Natera Variant Classification Schema (03/2026). Collection method: clinical testing. Allele origin: germline.
Comment: The c.9619G>A variant in PKHD1 is a missense variant predicted to cause substitution of alanine to threonine at amino acid 3207. This variant is rare in the general population with a frequency below the threshold expected for the associated phenotype(s). This variant has been observed in one or more individuals affected with the associated recessive disease, as either homozygous or compound heterozygous with a second variant (PMID: 19914852). Additionally, this variant has been observed to segregate in affected family members (PMID: 19914852). Computational prediction algorithms indicate this variant is likely to affect gene or protein function. Given the available evidence, this variant is classified as Likely Pathogenic.

Labcorp Genetics (formerly Invitae), Labcorp
Classification: Pathogenic for Autosomal recessive polycystic kidney disease. Last evaluated: 2025-08-06. Review status: criteria provided, single submitter. Criteria: Invitae Variant Classification Sherloc (09022015). Collection method: clinical testing. Allele origin: germline.
Comment: This sequence change replaces alanine, which is neutral and non-polar, with threonine, which is neutral and polar, at codon 3207 of the PKHD1 protein (p.Ala3207Thr). This variant is present in population databases (no rsID available, gnomAD 0.003%). This missense change has been observed in individuals with clinical features of polycystic kidney disease (PMID: 19914852; internal data). ClinVar contains an entry for this variant (Variation ID: 658007). Invitae Evidence Modeling of protein sequence and biophysical properties (such as structural, functional, and spatial information, amino acid conservation, physicochemical variation, residue mobility, and thermodynamic stability) indicates that this missense variant is expected to disrupt PKHD1 protein function with a positive predictive value of 95%. Algorithms developed to predict the effect of sequence changes on RNA splicing suggest that this variant may create or strengthen a splice site. For these reasons, this variant has been classified as Pathogenic.

GeneDx
Classification: Likely pathogenic. Last evaluated: 2024-10-27. Review status: criteria provided, single submitter. Criteria: GeneDx Variant Classification Process June 2021. Collection method: clinical testing. Allele origin: germline. Affected: yes.
Comment: Not observed at significant frequency in large population cohorts (gnomAD); In silico analysis supports that this missense variant has a deleterious effect on protein structure/function; In silico analysis suggests this variant may impact gene splicing. In the absence of RNA/functional studies, the actual effect of this sequence change is unknown.; This variant is associated with the following publications: (PMID: 20413436, 19914852)

Fulgent Genetics
Classification: Likely pathogenic for Polycystic kidney disease 4. Last evaluated: 2024-03-30. Review status: criteria provided, single submitter. Criteria: ACMG Guidelines, 2015. Collection method: clinical testing. Allele origin: germline.

Johns Hopkins Genomics, Johns Hopkins University
Classification: Likely pathogenic for Polycystic kidney disease 4. Last evaluated: 2021-03-10. Review status: criteria provided, single submitter. Criteria: ACMG Guidelines, 2015. Collection method: clinical testing. Allele origin: germline.
Comment: This PKHD1 variant (rs1242089464) is rare (<0.1%) in a large population dataset (gnomAD: 1/251034 total alleles; 0.0004%; no homozygotes) and has an entry in ClinVar. It has been observed on the opposite chromosome from other pathogenic variants in individuals affected with PKD4. Three bioinformatics tools queried predict that p.Ala3207Thr would be damaging. The alanine residue at this position is strongly conserved across most vertebrate species assessed. This variant is not predicted to affect normal exon 58 splicing, although this has not been confirmed experimentally to our knowledge. We consider c.9619G>A to be likely pathogenic.

PreventionGenetics, part of Exact Sciences
Classification: Uncertain significance for PKHD1-related condition. Last evaluated: 2024-03-28. Review status: no assertion criteria provided. Collection method: clinical testing. Allele origin: germline. Not counted in ClinVar's aggregate classification.
Comment: The PKHD1 c.9619G>A variant is predicted to result in the amino acid substitution p.Ala3207Thr. This variant has been reported in an individual with autosomal recessive polycystic kidney disease (ARPKD), and in two related individuals with ARPKD who also have another pathogenic missense variant (Gunay-Aygun et al 2010. PubMed ID: 19914852). This variant is reported in 0.0029% of alleles in individuals of Latino descent in gnomAD. Although we suspect that this variant may be pathogenic, at this time, the clinical significance of this variant is uncertain due to the absence of conclusive functional and genetic evidence.

Literature cited by the submitters: PubMed 19914852 (cited by 4 submitters); PubMed 20413436 (cited by Myriad Genetics, Inc. and Johns Hopkins Genomics, Johns Hopkins University).